The following is an entry in ClinVar:

NM_015425.6(POLR1A):c.2314G>A (p.Glu772Lys)

Gene: POLR1A (RNA polymerase I subunit A; minus strand). Cytogenetic location: 2p11.2.
Variant type: single nucleotide variant.
Coding change: c.2314G>A on transcript NM_015425.6 (MANE Select); coding-DNA position 2314, G replaced by A.
Protein change: p.Glu772Lys; replaces glutamic acid 772 with lysine.
Molecular consequence: missense variant.
Genome position (GRCh38, 1-based): chr2:86,052,895, C>T on the plus strand (G>A on the coding strand, the complement: POLR1A is on the minus strand). VCF-style: chr2-86052895-C-T. GRCh37 (hg19) VCF-style: chr2-86280018-C-T.
Other names: short protein forms E772K.
Identifiers: ClinVar variation 2905472 (VCV002905472.3), dbSNP rs1366957260, ClinGen allele CA347542428.
Genomic context (GRCh38, chr2:86,052,895, plus strand): 5'-AGAGCTGCAGGTAGGCGGTGAAGAGGCGGGCCAGGCAGGTTAGAACCTTGCCGCTGGTCT[C>T]GCCTCCATAGATCTCATAGCAGCAGTGGACCAGGCCGTAGGCGGAGCTCCCATAGTGCGC-3'
Protein context (NP_056240.2, residues 762-782): VHCCYEIYGG[Glu772Lys]TSGKVLTCLA

ClinVar aggregate classification (germline): Uncertain significance (1 of 4 stars; one submission).

Allele frequency attached by ClinVar (database versions not stated): gnomAD 0.00001; TOPMed 0.00002.
gnomAD v4.1: 53 of 1,607,918 alleles (0.0033%); highest among the groups gnomAD compares: East Asian, 0.0045%; no homozygotes.

Submission:

Labcorp Genetics (formerly Invitae), Labcorp
Classification: Uncertain significance. Last evaluated: 2023-02-10. Review status: criteria provided, single submitter. Criteria: Invitae Variant Classification Sherloc (09022015). Collection method: clinical testing. Allele origin: germline.
Comment: This sequence change replaces glutamic acid, which is acidic and polar, with lysine, which is basic and polar, at codon 772 of the POLR1A protein (p.Glu772Lys). In summary, the available evidence is currently insufficient to determine the role of this variant in disease. Therefore, it has been classified as a Variant of Uncertain Significance. Advanced modeling of protein sequence and biophysical properties (such as structural, functional, and spatial information, amino acid conservation, physicochemical variation, residue mobility, and thermodynamic stability) performed at Invitae indicates that this missense variant is not expected to disrupt POLR1A protein function. This variant has not been reported in the literature in individuals affected with POLR1A-related conditions. This variant is present in population databases (no rsID available, gnomAD 0.002%).